The following is an entry in ClinVar:

ClinVar aggregate classification (germline): Uncertain significance (1 of 4 stars; one submission).

Allele frequency attached by ClinVar (database versions not stated): TOPMed 0.00001.
gnomAD v4.1: 1 of 1,613,774 alleles (0.000062%); highest among the groups gnomAD compares: Middle Eastern, 0.017%; no homozygotes.

Submission:

Labcorp Genetics (formerly Invitae), Labcorp
Classification: Uncertain significance. Last evaluated: 2021-02-02. Review status: criteria provided, single submitter. Criteria: Invitae Variant Classification Sherloc (09022015). Collection method: clinical testing. Allele origin: germline.
Comment: This sequence change replaces aspartic acid with glycine at codon 1715 of the SI protein (p.Asp1715Gly). The aspartic acid residue is highly conserved and there is a moderate physicochemical difference between aspartic acid and glycine. This variant is not present in population databases (ExAC no frequency). This variant has not been reported in the literature in individuals with SI-related conditions. Advanced modeling of protein sequence and biophysical properties (such as structural, functional, and spatial information, amino acid conservation, physicochemical variation, residue mobility, and thermodynamic stability) performed at Invitae indicates that this missense variant is expected to disrupt SI protein function. Algorithms developed to predict the effect of sequence changes on RNA splicing suggest that this variant may create or strengthen a splice site, but this prediction has not been confirmed by published transcriptional studies. In summary, the available evidence is currently insufficient to determine the role of this variant in disease. Therefore, it has been classified as a Variant of Uncertain Significance.

NM_001041.4(SI):c.5144A>G (p.Asp1715Gly)

Gene: SI (sucrase-isomaltase; minus strand). Cytogenetic location: 3q26.1.
Variant type: single nucleotide variant.
Coding change: c.5144A>G on transcript NM_001041.4 (MANE Select); coding-DNA position 5144, A replaced by G.
Protein change: p.Asp1715Gly; replaces aspartic acid 1715 with glycine.
Molecular consequence: missense variant.
Genome position (GRCh38, 1-based): chr3:164,987,191, T>C on the plus strand (A>G on the coding strand, the complement: SI is on the minus strand). VCF-style: chr3-164987191-T-C. GRCh37 (hg19) VCF-style: chr3-164704979-T-C.
Other names: short protein forms D1715G.
Identifiers: ClinVar variation 1471799 (VCV001471799.8), dbSNP rs113023426, ClinGen allele CA87237930.